The following is an entry in ClinVar:

ClinVar aggregate classification (germline): Uncertain significance (1 of 4 stars; one submission).

Conditions:
Hereditary cancer-predisposing syndrome. Also called: Neoplastic Syndromes, Hereditary; Tumor predisposition; Hereditary Cancer Syndrome; Hereditary neoplastic syndrome. Identifiers: Orphanet 140162, MedGen C0027672, MeSH D009386, MONDO:0015356.

Submission:

Ambry Genetics
Classification: Uncertain significance for Hereditary cancer-predisposing syndrome. Last evaluated: 2022-04-30. Review status: criteria provided, single submitter. Criteria: Ambry Variant Classification Scheme 2023. Collection method: clinical testing. Allele origin: germline.
Comment: The p.D42N variant (also known as c.124G>A), located in coding exon 2 of the POLE gene, results from a G to A substitution at nucleotide position 124. The aspartic acid at codon 42 is replaced by asparagine, an amino acid with highly similar properties. This amino acid position is conserved. In addition, this alteration is predicted to be tolerated by in silico analysis. Since supporting evidence is limited at this time, the clinical significance of this alteration remains unclear.

NM_006231.4(POLE):c.124G>A (p.Asp42Asn)

Gene: POLE (DNA polymerase epsilon, catalytic subunit; minus strand). Cytogenetic location: 12q24.33.
Variant type: single nucleotide variant.
Coding change: c.124G>A on transcript NM_006231.4 (MANE Select); coding-DNA position 124, G replaced by A.
Protein change: p.Asp42Asn; replaces aspartic acid 42 with asparagine.
Molecular consequence: missense variant.
Genome position (GRCh38, 1-based): chr12:132,681,218, C>T on the plus strand (G>A on the coding strand, the complement: POLE is on the minus strand). VCF-style: chr12-132681218-C-T. GRCh37 (hg19) VCF-style: chr12-133257804-C-T.
Other names: short protein forms D42N.
Identifiers: ClinVar variation 1760378 (VCV001760378.2), dbSNP rs2136034354, ClinGen allele CA387370213.